The following is an entry in ClinVar:

ClinVar aggregate classification (germline): Benign. Review status: criteria provided, single submitter (1 of 4 stars). 2 submissions from 2 submitters: Benign (1). 1 of the submissions does not count toward it. Last evaluated 2026-08-01.

Conditions:
CTTNBP2-related disorder. Also called: CTTNBP2-related condition.

Allele frequency attached by ClinVar (database versions not stated): 1000 Genomes Project 0.00280; 1000 Genomes Project 30x 0.00359; TOPMed 0.00847; gnomAD 0.00848; ESP Exome Variant Server 0.00915; gnomAD exomes 0.01154; ExAC 0.02281.
gnomAD v4.1: 16,677 of 1,489,202 alleles (1.1%); highest among the groups gnomAD compares: Non-Finnish European, 1.3%; 104 homozygotes.

Submissions (2):

CeGaT Center for Human Genetics Tuebingen
Classification: Benign. Last evaluated: 2026-08-01. Review status: criteria provided, single submitter. Criteria: CeGaT Center For Human Genetics Tuebingen Variant Classification Criteria Version 2. Collection method: clinical testing. Allele origin: germline. Affected: yes. Observed: 2 variant alleles.
Comment: CTTNBP2: BS1, BS2

PreventionGenetics, part of Exact Sciences
Classification: Benign for CTTNBP2-related condition. Last evaluated: 2019-03-05. Review status: no assertion criteria provided. Collection method: clinical testing. Allele origin: germline. Not counted in ClinVar's aggregate classification.
Comment: This variant is classified as benign based on ACMG/AMP sequence variant interpretation guidelines (Richards et al. 2015 PMID: 25741868, with internal and published modifications).

NM_033427.3(CTTNBP2):c.25G>A (p.Glu9Lys)

Gene: CTTNBP2 (cortactin binding protein 2; minus strand). Cytogenetic location: 7q31.31.
Variant type: single nucleotide variant.
Coding change: c.25G>A on transcript NM_033427.3 (MANE Select); coding-DNA position 25, G replaced by A.
Protein change: p.Glu9Lys; replaces glutamic acid 9 with lysine.
Molecular consequence: missense variant. On other transcripts: 5 prime UTR variant (1).
Genome position (GRCh38, 1-based): chr7:117,873,391, C>T on the plus strand (G>A on the coding strand, the complement: CTTNBP2 is on the minus strand). VCF-style: chr7-117873391-C-T. GRCh37 (hg19) VCF-style: chr7-117513445-C-T.
Other names: c.-1910G>A (NM_001363351.1); short protein forms E9K.
Identifiers: ClinVar variation 3039175 (VCV003039175.3), dbSNP rs201926476, ClinGen allele CA4453005.